The following is an entry in ClinVar:

ClinVar aggregate classification (germline): Uncertain significance (1 of 4 stars; one submission).

Submission:

Labcorp Genetics (formerly Invitae), Labcorp
Classification: Uncertain significance. Last evaluated: 2024-02-27. Review status: criteria provided, single submitter. Criteria: Invitae Variant Classification Sherloc (09022015). Collection method: clinical testing. Allele origin: germline.
Comment: This sequence change replaces arginine, which is basic and polar, with glutamine, which is neutral and polar, at codon 811 of the HYOU1 protein (p.Arg811Gln). This variant is present in population databases (rs144111366, gnomAD 0.004%). This variant has not been reported in the literature in individuals affected with HYOU1-related conditions. ClinVar contains an entry for this variant (Variation ID: 2138096). Experimental studies and prediction algorithms are not available or were not evaluated, and the functional significance of this variant is currently unknown. Algorithms developed to predict the effect of sequence changes on RNA splicing suggest that this variant may disrupt the consensus splice site. In summary, the available evidence is currently insufficient to determine the role of this variant in disease. Therefore, it has been classified as a Variant of Uncertain Significance.

NM_006389.5(HYOU1):c.2432G>A (p.Arg811Gln)

Gene: HYOU1 (hypoxia up-regulated 1; minus strand). Cytogenetic location: 11q23.3.
Variant type: single nucleotide variant.
Coding change: c.2432G>A on transcript NM_006389.5 (MANE Select); coding-DNA position 2432, G replaced by A.
Protein change: p.Arg811Gln; replaces arginine 811 with glutamine.
Molecular consequence: missense variant.
Genome position (GRCh38, 1-based): chr11:119,048,025, C>T on the plus strand (G>A on the coding strand, the complement: HYOU1 is on the minus strand). VCF-style: chr11-119048025-C-T. GRCh37 (hg19) VCF-style: chr11-118918737-C-T.
Other names: c.2432G>A, p.Arg811Gln (NM_001130991.3, NM_001411041.1); short protein forms R811Q.
Identifiers: ClinVar variation 2138096 (VCV002138096.4), dbSNP rs144111366, ClinGen allele CA229618213.